The following is an entry in ClinVar:

ClinVar aggregate classification (germline): Uncertain significance (1 of 4 stars; one submission).

Conditions:
Actin accumulation myopathy (CMYO2A). Also called: Nemaline myopathy type 3; Myopathy, actin, congenital, with excess of thin myofilaments; CONGENITAL MYOPATHY 2A, TYPICAL, AUTOSOMAL DOMINANT; Myopathy, actin, congenital, with cores; Nemaline myopathy 3, with intranuclear rods. Identifiers: Orphanet 98904, MedGen C3711389, MONDO:0008070, OMIM 161800.

Submission:

Labcorp Genetics (formerly Invitae), Labcorp
Classification: Uncertain significance for Actin accumulation myopathy. Last evaluated: 2025-03-18. Review status: criteria provided, single submitter. Criteria: Invitae Variant Classification Sherloc (09022015). Collection method: clinical testing. Allele origin: germline.
Comment: This sequence change replaces aspartic acid, which is acidic and polar, with glutamic acid, which is acidic and polar, at codon 3 of the ACTA1 protein (p.Asp3Glu). This variant is not present in population databases (gnomAD no frequency). This variant has not been reported in the literature in individuals affected with ACTA1-related conditions. Invitae Evidence Modeling of protein sequence and biophysical properties (such as structural, functional, and spatial information, amino acid conservation, physicochemical variation, residue mobility, and thermodynamic stability) indicates that this missense variant is not expected to disrupt ACTA1 protein function with a negative predictive value of 95%. This variant disrupts the p.Asp3 (also known as p.Asp1) amino acid residue in ACTA1. Other variant(s) that disrupt this residue have been determined to be pathogenic (PMID: 15520409, 19206168). This suggests that this residue is clinically significant, and that variants that disrupt this residue are likely to be disease-causing. In summary, the available evidence is currently insufficient to determine the role of this variant in disease. Therefore, it has been classified as a Variant of Uncertain Significance.

Literature cited by the submitters: PubMed 15520409; PubMed 19206168.

NM_001100.4(ACTA1):c.9C>A (p.Asp3Glu)

Gene: ACTA1 (actin alpha 1, skeletal muscle; minus strand). Cytogenetic location: 1q42.13.
Variant type: single nucleotide variant.
Coding change: c.9C>A on transcript NM_001100.4 (MANE Select); coding-DNA position 9, C replaced by A.
Protein change: p.Asp3Glu; replaces aspartic acid 3 with glutamic acid.
Molecular consequence: missense variant.
Genome position (GRCh38, 1-based): chr1:229,433,107, G>T on the plus strand (C>A on the coding strand, the complement: ACTA1 is on the minus strand). VCF-style: chr1-229433107-G-T. GRCh37 (hg19) VCF-style: chr1-229568854-G-T.
Other names: short protein forms D3E.
Identifiers: ClinVar variation 4707010 (VCV004707010.1).